The following is an entry in ClinVar:

GRCh37/hg19 14q22.3-24.1(chr14:57588965-68334517)x3

Genes: ACTR10 (actin related protein 10; plus strand), AKAP5 (A-kinase anchoring protein 5; plus strand), AP5M1 (adaptor related protein complex 5 subunit mu 1; plus strand), ARG2 (arginase 2; plus strand), ARID4A (AT-rich interaction domain 4A; plus strand) and 68 more. Cytogenetic location: 14q22.3-24.1.
Variant type: copy number gain.
Change: copy number 3 (three copies instead of two) of chr14:57,588,965-68,334,517 (10.75 Mb, GRCh37 coordinates, 1-based), cytogenetic band 14q22.3-24.1.
Identifiers: ClinVar variation 2684726 (VCV002684726.1).

ClinVar aggregate classification (germline): Likely pathogenic (1 of 4 stars; one submission).

Submission:

Quest Diagnostics Nichols Institute San Juan Capistrano
Classification: Likely pathogenic. Last evaluated: 2022-12-28. Review status: criteria provided, single submitter. Criteria: ACMG/ClinGen CNV Guidelines, 2019. Collection method: clinical testing. Allele origin: unknown.
Comment: The copy number gain of 14q22.3q24.1 involves numerous protein-coding genes. Microduplications on 14q have been described in individuals with phenotypes similar to those seen in individuals with craniofacial microsomia (CFM; OMIM 164210). There are no similar copy number gains of this region in the general populations of the Database of Genomic Variants. Thus, based on gene content, this copy number variant (CNV) is interpreted as likely pathogenic.